The following is an entry in ClinVar:

NM_033641.4(COL4A6):c.562C>A (p.Pro188Thr)

Gene: COL4A6 (collagen type IV alpha 6 chain; minus strand). Cytogenetic location: Xq22.3.
Variant type: single nucleotide variant.
Coding change: c.562C>A on transcript NM_033641.4 (MANE Select); coding-DNA position 562, C replaced by A.
Protein change: p.Pro188Thr; replaces proline 188 with threonine.
Molecular consequence: missense variant.
Genome position (GRCh38, 1-based): chrX:108,206,565, G>T on the plus strand (C>A on the coding strand, the complement: COL4A6 is on the minus strand). VCF-style: chrX-108206565-G-T. GRCh37 (hg19) VCF-style: chrX-107449795-G-T.
Other names: c.562C>A, p.Pro188Thr (NM_001287758.2, NM_001287759.2, NM_001287760.2); c.565C>A, p.Pro189Thr (NM_001847.4); short protein forms P188T, P189T.
Identifiers: ClinVar variation 2732860 (VCV002732860.3), dbSNP rs2522293864, ClinGen allele CA413903434.

ClinVar aggregate classification (germline): Uncertain significance (1 of 4 stars; one submission).

gnomAD v4.1: 1 of 1,210,188 alleles (0.000083%); highest among the groups gnomAD compares: Non-Finnish European, 0.00011%; no homozygotes.

Submission:

Labcorp Genetics (formerly Invitae), Labcorp
Classification: Uncertain significance. Last evaluated: 2023-02-06. Review status: criteria provided, single submitter. Criteria: Invitae Variant Classification Sherloc (09022015). Collection method: clinical testing. Allele origin: germline.
Comment: In summary, the available evidence is currently insufficient to determine the role of this variant in disease. Therefore, it has been classified as a Variant of Uncertain Significance. Advanced modeling of protein sequence and biophysical properties (such as structural, functional, and spatial information, amino acid conservation, physicochemical variation, residue mobility, and thermodynamic stability) performed at Invitae indicates that this missense variant is not expected to disrupt COL4A6 protein function. This variant has not been reported in the literature in individuals affected with COL4A6-related conditions. This variant is not present in population databases (gnomAD no frequency). This sequence change replaces proline, which is neutral and non-polar, with threonine, which is neutral and polar, at codon 189 of the COL4A6 protein (p.Pro189Thr).